The following is an entry in ClinVar:

NM_006846.4(SPINK5):c.1592T>G (p.Met531Arg)

Gene: SPINK5 (serine peptidase inhibitor Kazal type 5; plus strand). Cytogenetic location: 5q32.
Variant type: single nucleotide variant.
Coding change: c.1592T>G on transcript NM_006846.4 (MANE Select); coding-DNA position 1592, T replaced by G.
Protein change: p.Met531Arg; replaces methionine 531 with arginine.
Molecular consequence: missense variant.
Genome position (GRCh38, 1-based): chr5:148,107,149, T>G. VCF-style: chr5-148107149-T-G. GRCh37 (hg19) VCF-style: chr5-147486712-T-G.
Other names: c.1592T>G, p.Met531Arg (NM_001127698.2, NM_001127699.2); short protein forms M531R.
Identifiers: ClinVar variation 459569 (VCV000459569.11), dbSNP rs985590287, ClinGen allele CA128923518.

ClinVar aggregate classification (germline): Uncertain significance (1 of 4 stars; one submission).

Conditions:
Ichthyosis linearis circumflexa. Identifiers: MedGen C0265962, MONDO:0043106, HP:0025810.

Allele frequency attached by ClinVar (database versions not stated): gnomAD exomes 0.00001 and 0.00002; gnomAD 0.00002; TOPMed 0.00011.

Submission:

Labcorp Genetics (formerly Invitae), Labcorp
Classification: Uncertain significance for Ichthyosis linearis circumflexa. Last evaluated: 2025-01-13. Review status: criteria provided, single submitter. Criteria: Invitae Variant Classification Sherloc (09022015). Collection method: clinical testing. Allele origin: germline.
Comment: This sequence change replaces methionine, which is neutral and non-polar, with arginine, which is basic and polar, at codon 531 of the SPINK5 protein (p.Met531Arg). This variant is present in population databases (no rsID available, gnomAD 0.003%). This variant has not been reported in the literature in individuals affected with SPINK5-related conditions. ClinVar contains an entry for this variant (Variation ID: 459569). Invitae Evidence Modeling of protein sequence and biophysical properties (such as structural, functional, and spatial information, amino acid conservation, physicochemical variation, residue mobility, and thermodynamic stability) has been performed for this missense variant. However, the output from this modeling did not meet the statistical confidence thresholds required to predict the impact of this variant on SPINK5 protein function. Algorithms developed to predict the effect of sequence changes on RNA splicing suggest that this variant may create or strengthen a splice site. In summary, the available evidence is currently insufficient to determine the role of this variant in disease. Therefore, it has been classified as a Variant of Uncertain Significance.